The following is an entry in ClinVar:

NM_007186.6(CEP250):c.2596C>T (p.Arg866Cys)

Genes: CEP250 (centrosomal protein 250; plus strand), CEP250-AS1 (CEP250 antisense RNA 1; minus strand). Cytogenetic location: 20q11.22.
Variant type: single nucleotide variant.
Coding change: c.2596C>T on transcript NM_007186.6 (MANE Select); coding-DNA position 2596, C replaced by T.
Protein change: p.Arg866Cys; replaces arginine 866 with cysteine.
Molecular consequence: missense variant.
Genome position (GRCh38, 1-based): chr20:35,490,646, C>T. VCF-style: chr20-35490646-C-T. GRCh37 (hg19) VCF-style: chr20-34078472-C-T.
Other names: c.700C>T, p.Arg234Cys (NM_001318219.1); short protein forms R234C, R866C.
Identifiers: ClinVar variation 1005656 (VCV001005656.6), dbSNP rs773558951, ClinGen allele CA9833234.
Genomic context (GRCh38, chr20:35,490,646, plus strand): 5'-CCTCCCCTCCTCACCCATTTGGTTCTAATGGTGTTTCCTTCATGTGGCCAGGAGAAGGAG[C>T]GCTCCTGGCACCAGCAGGAGCTGGCAAAGGCTCTGGAGAGCTTAGAAAGGGAAAAAATGG-3'
Protein context (NP_009117.2, residues 856-876): NQLREKWEKE[Arg866Cys]SWHQQELAKA

ClinVar aggregate classification (germline): Uncertain significance (1 of 4 stars; one submission).

Allele frequency attached by ClinVar (database versions not stated): gnomAD below 0.00001 and 0.00001; TOPMed below 0.00001; gnomAD exomes 0.00002 and 0.00003; ExAC 0.00003.
gnomAD v4.1: 30 of 1,612,302 alleles (0.0019%); highest among the groups gnomAD compares: Admixed American, 0.013%; 1 homozygote.

Submission:

Labcorp Genetics (formerly Invitae), Labcorp
Classification: Uncertain significance. Last evaluated: 2022-06-27. Review status: criteria provided, single submitter. Criteria: Invitae Variant Classification Sherloc (09022015). Collection method: clinical testing. Allele origin: germline.
Comment: This sequence change replaces arginine, which is basic and polar, with cysteine, which is neutral and slightly polar, at codon 866 of the CEP250 protein (p.Arg866Cys). This variant is present in population databases (rs773558951, gnomAD 0.01%). This variant has not been reported in the literature in individuals affected with CEP250-related conditions. ClinVar contains an entry for this variant (Variation ID: 1005656). Algorithms developed to predict the effect of missense changes on protein structure and function output the following: SIFT: "Not Available"; PolyPhen-2: "Benign"; Align-GVGD: "Not Available". The cysteine amino acid residue is found in multiple mammalian species, which suggests that this missense change does not adversely affect protein function. In summary, the available evidence is currently insufficient to determine the role of this variant in disease. Therefore, it has been classified as a Variant of Uncertain Significance.